The following is an entry in ClinVar:

ClinVar aggregate classification (germline): Uncertain significance (1 of 4 stars; one submission).

gnomAD v4.1: 21 of 1,613,946 alleles (0.0013%); highest among the groups gnomAD compares: Non-Finnish European, 0.0018%; no homozygotes.

Submission:

Labcorp Genetics (formerly Invitae), Labcorp
Classification: Uncertain significance. Last evaluated: 2023-11-27. Review status: criteria provided, single submitter. Criteria: Invitae Variant Classification Sherloc (09022015). Collection method: clinical testing. Allele origin: germline.
Comment: This sequence change replaces methionine, which is neutral and non-polar, with isoleucine, which is neutral and non-polar, at codon 264 of the GHSR protein (p.Met264Ile). This variant is present in population databases (rs769797070, gnomAD 0.003%). This variant has not been reported in the literature in individuals affected with GHSR-related conditions. ClinVar contains an entry for this variant (Variation ID: 1404816). Advanced modeling of protein sequence and biophysical properties (such as structural, functional, and spatial information, amino acid conservation, physicochemical variation, residue mobility, and thermodynamic stability) performed at Invitae indicates that this missense variant is not expected to disrupt GHSR protein function with a negative predictive value of 80%. In summary, the available evidence is currently insufficient to determine the role of this variant in disease. Therefore, it has been classified as a Variant of Uncertain Significance.

NM_198407.2(GHSR):c.792G>A (p.Met264Ile)

Gene: GHSR (growth hormone secretagogue receptor; minus strand). Cytogenetic location: 3q26.31.
Variant type: single nucleotide variant.
Coding change: c.792G>A on transcript NM_198407.2 (MANE Select); coding-DNA position 792, G replaced by A.
Protein change: p.Met264Ile; replaces methionine 264 with isoleucine.
Molecular consequence: missense variant.
Genome position (GRCh38, 1-based): chr3:172,447,622, C>T on the plus strand (G>A on the coding strand, the complement: GHSR is on the minus strand). VCF-style: chr3-172447622-C-T. GRCh37 (hg19) VCF-style: chr3-172165412-C-T.
Other names: c.792G>A, p.Met264Ile (NM_004122.2); short protein forms M264I.
Identifiers: ClinVar variation 1404816 (VCV001404816.7), dbSNP rs769797070, ClinGen allele CA2706400.